The following is an entry in ClinVar:

NM_000254.3(MTR):c.2994C>T (p.Asn998=)

Gene: MTR (5-methyltetrahydrofolate-homocysteine methyltransferase; plus strand). Cytogenetic location: 1q43.
Variant type: single nucleotide variant.
Coding change: c.2994C>T on transcript NM_000254.3 (MANE Select); coding-DNA position 2994, C replaced by T.
Protein change: p.Asn998=; no amino-acid change (asparagine 998 retained).
Molecular consequence: synonymous variant.
Genome position (GRCh38, 1-based): chr1:236,889,323, C>T. VCF-style: chr1-236889323-C-T. GRCh37 (hg19) VCF-style: chr1-237052623-C-T.
Other names: c.2841C>T, p.Asn947= (NM_001291939.1); c.1773C>T, p.Asn591= (NM_001291940.2).
Identifiers: ClinVar variation 296574 (VCV000296574.13), dbSNP rs778549407, ClinGen allele CA1474574.

ClinVar aggregate classification (germline): Conflicting classifications of pathogenicity. Review status: criteria provided, conflicting classifications (1 of 4 stars). 3 submissions from 3 submitters: Uncertain significance (1); Likely benign (2). Last evaluated 2025-07-03.

Conditions:
Disorders of Intracellular Cobalamin Metabolism. Identifiers: MedGen CN043592.
Methylcobalamin deficiency type cblG (HMAG). Also called: HOMOCYSTINURIA-MEGALOBLASTIC ANEMIA, cblG TYPE; HOMOCYSTINURIA-MEGALOBLASTIC ANEMIA DUE TO DEFECT IN COBALAMIN METABOLISM, cblG COMPLEMENTATION TYPE; HOMOCYSTINURIA-MEGALOBLASTIC ANEMIA, cblG COMPLEMENTATION TYPE; Functional methionine synthase deficiency type cblG. Identifiers: Orphanet 2170, Orphanet 622, MedGen C1855128, MONDO:0009609, OMIM 250940.

Allele frequency attached by ClinVar (database versions not stated): gnomAD exomes 0.00003 and 0.00007; ExAC 0.00004; gnomAD 0.00005; TOPMed 0.00005.
gnomAD v4.1: 109 of 1,614,080 alleles (0.0068%); highest among the groups gnomAD compares: Admixed American, 0.0083%; no homozygotes.

Submissions (3):

Labcorp Genetics (formerly Invitae), Labcorp
Classification: Likely benign for Methylcobalamin deficiency type cblG. Last evaluated: 2025-07-03. Review status: criteria provided, single submitter. Criteria: Invitae Variant Classification Sherloc (09022015). Collection method: clinical testing. Allele origin: germline.

Illumina Laboratory Services, Illumina
Classification: Uncertain significance for Disorders of Intracellular Cobalamin Metabolism. Last evaluated: 2018-01-13. Review status: criteria provided, single submitter. Criteria: ICSL Variant Classification Criteria 13 December 2019. Collection method: clinical testing. Allele origin: germline.

GeneDx
Classification: Likely benign. Last evaluated: 2017-10-12. Review status: criteria provided, single submitter. Criteria: GeneDx Variant Classification (06012015). Collection method: clinical testing. Allele origin: germline. Affected: yes.
Comment: This variant is considered likely benign or benign based on one or more of the following criteria: it is a conservative change, it occurs at a poorly conserved position in the protein, it is predicted to be benign by multiple in silico algorithms, and/or has population frequency not consistent with disease.